The following is an entry in ClinVar:

ClinVar aggregate classification (germline): Uncertain significance (1 of 4 stars; one submission).

Conditions:
Oligodontia-cancer predisposition syndrome. Also called: TOOTH AGENESIS-COLORECTAL CANCER SYNDROME. Identifiers: Orphanet 300576, MedGen C1837750, MONDO:0012075, OMIM 608615. Disease mechanism: loss of function.

Submission:

Labcorp Genetics (formerly Invitae), Labcorp
Classification: Uncertain significance for Oligodontia-cancer predisposition syndrome. Last evaluated: 2016-04-18. Review status: criteria provided, single submitter. Criteria: Invitae Variant Classification Sherloc (09022015). Collection method: clinical testing. Allele origin: germline.
Comment: This sequence change replaces proline with glutamine at codon 293 of the AXIN2 protein (p.Pro293Gln). The proline residue is highly conserved and there is a moderate physicochemical difference between proline and glutamine. This variant is not present in population databases (ExAC no frequency) and has not been reported in the literature in individuals with a AXIN2-related disease. Algorithms developed to predict the effect of missense changes on protein structure and function do not agree on the potential impact of this missense change (SIFT: "Deleterious"; PolyPhen-2: "Probably Damaging"; Align-GVGD: "Class C0"). In summary, this variant is a novel missense change with uncertain impact on protein function. It has been classified as a Variant of Uncertain Significance.

NM_004655.4(AXIN2):c.878C>A (p.Pro293Gln)

Gene: AXIN2 (axin 2; minus strand). Cytogenetic location: 17q24.1.
Variant type: single nucleotide variant.
Coding change: c.878C>A on transcript NM_004655.4 (MANE Select); coding-DNA position 878, C replaced by A.
Protein change: p.Pro293Gln; replaces proline 293 with glutamine.
Molecular consequence: missense variant.
Genome position (GRCh38, 1-based): chr17:65,549,598, G>T on the plus strand (C>A on the coding strand, the complement: AXIN2 is on the minus strand). VCF-style: chr17-65549598-G-T. GRCh37 (hg19) VCF-style: chr17-63545716-G-T.
Other names: c.878C>A (LRG_296t1); c.878C>A, p.Pro293Gln (NM_001363813.1); short protein forms P293Q.
Identifiers: ClinVar variation 408845 (VCV000408845.7), dbSNP rs1060502154, ClinGen allele CA16615949.